The following is an entry in ClinVar:

NM_032638.5(GATA2):c.83del (p.Gly28fs)

Gene: GATA2 (GATA binding protein 2; minus strand). Cytogenetic location: 3q21.3.
Variant type: Deletion.
Coding change: c.83del on transcript NM_032638.5 (MANE Select); coding-DNA position 83, one base deleted (G; older notation c.83delG).
Protein change: p.Gly28fs; shifts the reading frame from glycine 28.
Molecular consequence: frameshift variant.
Genome position (GRCh38, 1-based): chr3:128,486,949, C deleted on the plus strand (G on the coding strand, the reverse complement: GATA2 is on the minus strand); the first of 3 consecutive C bases (chr3:128,486,949-128,486,951); deleting any one gives the same sequence. VCF-style (leftmost placement, unchanged base first): chr3-128486948-GC-G. GRCh37 (hg19) VCF-style: chr3-128205791-GC-G.
Other names: c.83delG (NM_032638.5); c.83del, p.Gly28fs (NM_001145661.2, NM_001145662.1); short protein forms G28fs.
Identifiers: ClinVar variation 1184007 (VCV001184007.1), dbSNP rs2107673633, ClinGen allele CA1139532774.

ClinVar aggregate classification (germline): Pathogenic (1 of 4 stars; one submission).

Conditions:
Deafness-lymphedema-leukemia syndrome. Also called: Emberger syndrome; Lymphedema, primary, with myelodysplasia. Identifiers: Orphanet 3226, MedGen C3279664, MONDO:0013540, OMIM 614038.
GATA2 deficiency with susceptibility to MDS/AML. Identifiers: MedGen CN300066, MONDO:0042982.

Submission:

Molecular Pathology Research Laboratory, SA Pathology
Classification: Pathogenic for GATA2 deficiency with susceptibility to MDS/AML; Deafness-lymphedema-leukemia syndrome. Last evaluated: 2021-07-06. Review status: criteria provided, single submitter. Criteria: ACMG Guidelines, 2015. Collection method: curation. Allele origin: germline. Inheritance: Autosomal dominant inheritance. Affected: yes. Observed: 7 variant alleles. Clinical features observed: Myelodysplasia, Acute Myeloid Leukemia, Immunodeficiency, Lymphedema, Hematological abnormality.
Comment: PVS1, PS4, PM2, PP1_Moderate

Literature cited by the submitters: PubMed 23563236.